The following is an entry in ClinVar:

ClinVar aggregate classification (germline): Conflicting classifications of pathogenicity. Review status: criteria provided, conflicting classifications (1 of 4 stars). 7 submissions from 7 submitters: Uncertain significance (1); Benign (3); Likely benign (3). Last evaluated 2026-04-01.

Conditions:
Autosomal recessive nonsyndromic hearing loss 3. Also called: NEUROSENSORY NONSYNDROMIC RECESSIVE DEAFNESS 3. Identifiers: Orphanet 90636, MedGen C1838263, MONDO:0010860, OMIM 600316.

Allele frequency attached by ClinVar (database versions not stated): 1000 Genomes Project 30x 0.00125; 1000 Genomes Project 0.00160; TOPMed 0.00219; gnomAD 0.00237 and 0.00241; gnomAD exomes 0.00238 and 0.00337; ExAC 0.00242; ESP Exome Variant Server 0.00301.
gnomAD v4.1: 5,292 of 1,613,972 alleles (0.33%); highest among the groups gnomAD compares: Non-Finnish European, 0.39%; 14 homozygotes.

Submissions (7):

CeGaT Center for Human Genetics Tuebingen
Classification: Likely benign. Last evaluated: 2026-04-01. Review status: criteria provided, single submitter. Criteria: CeGaT Center For Human Genetics Tuebingen Variant Classification Criteria Version 2. Collection method: clinical testing. Allele origin: germline. Affected: yes. Observed: 9 variant alleles.
Comment: MYO15A: BP4, BP7, BS2

Labcorp Genetics (formerly Invitae), Labcorp
Classification: Benign. Last evaluated: 2026-01-31. Review status: criteria provided, single submitter. Criteria: Invitae Variant Classification Sherloc (09022015). Collection method: clinical testing. Allele origin: germline.

Blueprint Genetics
Classification: Likely benign. Last evaluated: 2024-11-27. Review status: criteria provided, single submitter. Criteria: ACMG Guidelines, 2015. Collection method: clinical testing. Allele origin: germline.

GeneDx
Classification: Benign. Last evaluated: 2019-10-02. Review status: criteria provided, single submitter. Criteria: GeneDx Variant Classification Process June 2021. Collection method: clinical testing. Allele origin: germline. Affected: yes.

Illumina Laboratory Services, Illumina
Classification: Uncertain significance for Autosomal recessive nonsyndromic hearing loss 3. Last evaluated: 2018-01-13. Review status: criteria provided, single submitter. Criteria: ICSL Variant Classification Criteria 13 December 2019. Collection method: clinical testing. Allele origin: germline.

Eurofins Ntd Llc (ga)
Classification: Likely benign. Last evaluated: 2016-03-28. Review status: criteria provided, single submitter. Criteria: EGL Classification Definitions 2015. Collection method: clinical testing. Allele origin: germline. Observed: 1 variant allele, 1 heterozygote.

Laboratory for Molecular Medicine, Mass General Brigham Personalized Medicine
Classification: Benign. Last evaluated: 2012-04-30. Review status: criteria provided, single submitter. Criteria: LMM Criteria. Collection method: clinical testing. Allele origin: germline. Observed: 11 variant alleles.
Comment: Ile1258Ile in Exon 05 of MYO15A: This variant is not expected to have clinical s ignificance because it does not alter an amino acid residue, is not located with in the splice consensus sequence, and has been identified in 0.4% (30/6852) of E uropean American chromosomes from a broad population by the NHLBI Exome Sequenci ng Project (dbSNP rs148723625).

NM_016239.4(MYO15A):c.3774C>T (p.Ile1258=)

Gene: MYO15A (myosin XVA; plus strand). Cytogenetic location: 17p11.2.
Variant type: single nucleotide variant.
Coding change: c.3774C>T on transcript NM_016239.4 (MANE Select); coding-DNA position 3774, C replaced by T.
Protein change: p.Ile1258=; no amino-acid change (isoleucine 1258 retained).
Molecular consequence: synonymous variant.
Genome position (GRCh38, 1-based): chr17:18,126,364, C>T. VCF-style: chr17-18126364-C-T. GRCh37 (hg19) VCF-style: chr17-18029678-C-T.
Identifiers: ClinVar variation 178440 (VCV000178440.57), dbSNP rs148723625, ClinGen allele CA182339.